The following is an entry in ClinVar:

NM_002087.4(GRN):c.776dup (p.Cys260fs)

Gene: GRN (granulin precursor; plus strand). Cytogenetic location: 17q21.31.
Variant type: Duplication.
Coding change: c.776dup on transcript NM_002087.4 (MANE Select); coding-DNA position 776, one base duplicated (A; older notation c.776dupA).
Protein change: p.Cys260fs; shifts the reading frame from cysteine 260.
Molecular consequence: frameshift variant.
Genome position (GRCh38, 1-based): chr17:44,351,104, A duplicated; the last of 2 consecutive A bases (chr17:44,351,103-44,351,104); duplicating either gives the same sequence. VCF-style (leftmost placement, unchanged base first): chr17-44351102-T-TA. GRCh37 (hg19) VCF-style: chr17-42428470-T-TA.
Other names: short protein forms C260fs.
Identifiers: ClinVar variation 599612 (VCV000599612.31), dbSNP rs1567887015, ClinGen allele CA913191165.

ClinVar aggregate classification (germline): Pathogenic. Review status: criteria provided, multiple submitters, no conflicts (2 of 4 stars). 2 submissions from 2 submitters: Pathogenic (2). Last evaluated 2022-09-01.

Conditions:
Frontotemporal dementia (FTD1). Also called: FRONTOTEMPORAL LOBAR DEGENERATION WITH TAU INCLUSIONS; FTLD WITH TAU INCLUSIONS; MULTIPLE SYSTEM TAUOPATHY WITH PRESENILE DEMENTIA; WILHELMSEN-LYNCH DISEASE; Dementia, frontotemporal, with or without parkinsonism; Frontotemporal Dementia with Parkinsonism-17 (FTDP-17). Identifiers: Orphanet 282, MedGen C0338451, MONDO:0017276, OMIM 600274, HP:0002145.

Submissions (2):

CeGaT Center for Human Genetics Tuebingen
Classification: Pathogenic. Last evaluated: 2022-09-01. Review status: criteria provided, single submitter. Criteria: CeGaT Center For Human Genetics Tuebingen Variant Classification Criteria Version 2. Collection method: clinical testing. Allele origin: germline. Affected: yes. Observed: 1 variant allele.
Comment: GRN: PVS1, PM2

Human Genetics Group at Institute of Prion Diseases London, University College London
Classification: Pathogenic for Frontotemporal dementia. Last evaluated: 2017-02-01. Review status: criteria provided, single submitter. Criteria: Koriath et al. 2018. Collection method: clinical testing. Allele origin: inherited. Affected: yes. Observed: 1 variant allele.
Comment: This result confirms the diagnosis of a GRN-related dementia. This 1-bp duplication in granulin exon 8 causes a frameshift and a premature stop 14 codons downstream. Although this specific sequence change has not been previously reported, several pathogenic frameshift mutations in GRN have been previously described in the literature1.

Confirmed by Sanger sequencing